The following is an entry in ClinVar:

NM_020937.4(FANCM):c.5731A>G (p.Met1911Val)

Gene: FANCM (FA complementation group M; plus strand). Cytogenetic location: 14q21.2.
Variant type: single nucleotide variant.
Coding change: c.5731A>G on transcript NM_020937.4 (MANE Select); coding-DNA position 5731, A replaced by G.
Protein change: p.Met1911Val; replaces methionine 1911 with valine.
Molecular consequence: missense variant.
Genome position (GRCh38, 1-based): chr14:45,198,658, A>G. VCF-style: chr14-45198658-A-G. GRCh37 (hg19) VCF-style: chr14-45667861-A-G.
Other names: c.5653A>G, p.Met1885Val (NM_001308133.2); short protein forms M1885V, M1911V.
Identifiers: ClinVar variation 2442701 (VCV002442701.1), dbSNP rs748159354, ClinGen allele CA7170059.

ClinVar aggregate classification (germline): Uncertain significance (1 of 4 stars; one submission).

Allele frequency attached by ClinVar (database versions not stated): gnomAD exomes below 0.00001; ExAC 0.00002.

Submission:

GeneDx
Classification: Uncertain significance. Last evaluated: 2022-08-29. Review status: criteria provided, single submitter. Criteria: GeneDx Variant Classification Process June 2021. Collection method: clinical testing. Allele origin: germline. Affected: yes.
Comment: Not observed at significant frequency in large population cohorts (gnomAD); In silico analysis supports that this missense variant does not alter protein structure/function; Has not been previously published as pathogenic or benign to our knowledge